The following is an entry in ClinVar:

ClinVar aggregate classification (germline): Uncertain significance (1 of 4 stars; one submission).

Allele frequency attached by ClinVar (database versions not stated): ExAC 0.00001; gnomAD exomes 0.00001.
gnomAD v4.1: 20 of 1,614,118 alleles (0.0012%); highest among the groups gnomAD compares: East Asian, 0.0022%; no homozygotes.

Submission:

Ambry Genetics
Classification: Uncertain significance. Last evaluated: 2023-06-21. Review status: criteria provided, single submitter. Criteria: Ambry Variant Classification Scheme 2023. Collection method: clinical testing. Allele origin: germline.
Comment: The p.V853A variant (also known as c.2558T>C), located in coding exon 16 of the POLQ gene, results from a T to C substitution at nucleotide position 2558. The valine at codon 853 is replaced by alanine, an amino acid with similar properties. This amino acid position is conserved. In addition, this alteration is predicted to be tolerated by in silico analysis. Since supporting evidence is limited at this time, the clinical significance of this alteration remains unclear.

NM_199420.4(POLQ):c.2558T>C (p.Val853Ala)

Gene: POLQ (DNA polymerase theta; minus strand). Cytogenetic location: 3q13.33.
Variant type: single nucleotide variant.
Coding change: c.2558T>C on transcript NM_199420.4 (MANE Select); coding-DNA position 2558, T replaced by C.
Protein change: p.Val853Ala; replaces valine 853 with alanine.
Molecular consequence: missense variant.
Genome position (GRCh38, 1-based): chr3:121,490,373, A>G on the plus strand (T>C on the coding strand, the complement: POLQ is on the minus strand). VCF-style: chr3-121490373-A-G. GRCh37 (hg19) VCF-style: chr3-121209220-A-G.
Other names: short protein forms V853A.
Identifiers: ClinVar variation 1793039 (VCV001793039.3), dbSNP rs766873197, ClinGen allele CA2563215.
Genomic context (GRCh38, chr3:121,490,373, plus strand): 5'-CTTTCAGTTAAACCTTTTCTGCCAGTCACCCAGATAGTTCGCATATTGCGACGTTCTTCA[A>G]CTGCTTCCTCTTCCTCATCCACTGCCTTCCGGGCACTACACAAGGAGATGGGAAAAGACA-3'
Protein context (NP_955452.3, residues 843-863): RKAVDEEEEA[Val853Ala]EERRNMRTIW